The following is an entry in ClinVar:

NM_001357.5(DHX9):c.290C>T (p.Thr97Ile)

Gene: DHX9 (DExH-box helicase 9; plus strand). Cytogenetic location: 1q25.3.
Variant type: single nucleotide variant.
Coding change: c.290C>T on transcript NM_001357.5 (MANE Select); coding-DNA position 290, C replaced by T.
Protein change: p.Thr97Ile; replaces threonine 97 with isoleucine.
Molecular consequence: missense variant. On other transcripts: non-coding transcript variant (1).
Genome position (GRCh38, 1-based): chr1:182,852,270, C>T. VCF-style: chr1-182852270-C-T. GRCh37 (hg19) VCF-style: chr1-182821405-C-T.
Other names: short protein forms T97I.
Identifiers: ClinVar variation 3769682 (VCV003769682.1).

ClinVar aggregate classification (germline): Uncertain significance (1 of 4 stars; one submission).

gnomAD v4.1: 1 of 1,613,132 alleles (0.000062%); no homozygotes.

Submission:

GeneDx
Classification: Uncertain significance. Last evaluated: 2024-09-12. Review status: criteria provided, single submitter. Criteria: GeneDx Variant Classification Process June 2021. Collection method: clinical testing. Allele origin: germline. Affected: yes.
Comment: Not observed at significant frequency in large population cohorts (gnomAD); In silico analysis indicates that this missense variant does not alter protein structure/function; Has not been previously published as pathogenic or benign to our knowledge